The following is an entry in ClinVar:

ClinVar aggregate classification (germline): Uncertain significance (1 of 4 stars; one submission).

Conditions:
Autosomal dominant limb-girdle muscular dystrophy type 1F (LGMDD2). Also called: Limb-girdle muscular dystrophy, type 1F; MUSCULAR DYSTROPHY, LIMB-GIRDLE, AUTOSOMAL DOMINANT 2. Identifiers: Orphanet 55595, MedGen C1842062, MONDO:0012034, OMIM 608423.

Submission:

Labcorp Genetics (formerly Invitae), Labcorp
Classification: Uncertain significance for Autosomal dominant limb-girdle muscular dystrophy type 1F. Last evaluated: 2022-12-12. Review status: criteria provided, single submitter. Criteria: Invitae Variant Classification Sherloc (09022015). Collection method: clinical testing. Allele origin: germline.
Comment: This variant is not present in population databases (gnomAD no frequency). This sequence change results in a frameshift in the TNPO3 gene (p.Phe918Leufs*22). While this is not anticipated to result in nonsense mediated decay, it is expected to disrupt the last 6 amino acid(s) of the TNPO3 protein and extend the protein by 15 additional amino acid residues. In summary, the available evidence is currently insufficient to determine the role of this variant in disease. Therefore, it has been classified as a Variant of Uncertain Significance. This variant results in an extension of the TNPO3 protein. Other variant(s) that result in a similarly extended protein product (p.*924Cysext*15) have been determined to be pathogenic (PMID: 23543484, 23667635). This suggests that these extensions are likely to be disease-causing. This variant has not been reported in the literature in individuals affected with TNPO3-related conditions.

Literature cited by the submitters: PubMed 23543484; PubMed 23667635.

NM_012470.4(TNPO3):c.2754del (p.Phe918fs)

Gene: TNPO3 (transportin 3; minus strand). Cytogenetic location: 7q32.1.
Variant type: Deletion.
Coding change: c.2754del on transcript NM_012470.4 (MANE Select); coding-DNA position 2754, one base deleted (C; older notation c.2754delC).
Protein change: p.Phe918fs; shifts the reading frame from phenylalanine 918.
Molecular consequence: frameshift variant. On other transcripts: non-coding transcript variant (18), intron variant (2).
Genome position (GRCh38, 1-based): chr7:128,957,273, G deleted on the plus strand (C on the coding strand, the reverse complement: TNPO3 is on the minus strand). VCF-style (leftmost placement, unchanged base first): chr7-128957272-TG-T. GRCh37 (hg19) VCF-style: chr7-128597326-TG-T.
Other names: c.2520-1888del (NM_001382223.1); c.2562del, p.Phe854fs (NM_001191028.3); c.2856del, p.Phe952fs (NM_001382216.1); c.2835del, p.Phe945fs (NM_001382217.1); c.2646del, p.Phe882fs (NM_001382219.1); c.2613del, p.Phe871fs (NM_001382220.1); c.2610del, p.Phe870fs (NM_001382221.1); c.2607del, p.Phe869fs (NM_001382222.1); and 1 more; short protein forms F869fs, F945fs, F952fs, F854fs, F870fs, F882fs, F871fs, F918fs.
Identifiers: ClinVar variation 2818801 (VCV002818801.3), dbSNP rs2535804012, ClinGen allele CA2739279254.